The following is an entry in ClinVar:

ClinVar aggregate classification (germline): Uncertain significance (1 of 4 stars; one submission).

Conditions:
Spastic paraplegia. Identifiers: MedGen C0037772, HP:0001258.

Allele frequency attached by ClinVar (database versions not stated): gnomAD exomes below 0.00001.
gnomAD v4.1: 1 of 1,602,602 alleles (0.000062%); highest among the groups gnomAD compares: African/African-American, 0.0013%; no homozygotes.

Submission:

Labcorp Genetics (formerly Invitae), Labcorp
Classification: Uncertain significance for Spastic paraplegia. Last evaluated: 2022-10-25. Review status: criteria provided, single submitter. Criteria: Invitae Variant Classification Sherloc (09022015). Collection method: clinical testing. Allele origin: germline.
Comment: In summary, the available evidence is currently insufficient to determine the role of this variant in disease. Therefore, it has been classified as a Variant of Uncertain Significance. Advanced modeling of protein sequence and biophysical properties (such as structural, functional, and spatial information, amino acid conservation, physicochemical variation, residue mobility, and thermodynamic stability) performed at Invitae indicates that this missense variant is not expected to disrupt CYP2U1 protein function. This variant has not been reported in the literature in individuals affected with CYP2U1-related conditions. This variant is not present in population databases (gnomAD no frequency). This sequence change replaces leucine, which is neutral and non-polar, with proline, which is neutral and non-polar, at codon 155 of the CYP2U1 protein (p.Leu155Pro).

NM_183075.3(CYP2U1):c.464T>C (p.Leu155Pro)

Genes: CYP2U1 (cytochrome P450 family 2 subfamily U member 1; plus strand), CYP2U1-AS1 (CYP2U1 and SGMS2 antisense RNA 1; minus strand), LOC129992929 (ATAC-STARR-seq lymphoblastoid active region 21791; plus strand). Cytogenetic location: 4q25.
Variant type: single nucleotide variant.
Coding change: c.464T>C on transcript NM_183075.3 (MANE Select); coding-DNA position 464, T replaced by C.
Protein change: p.Leu155Pro; replaces leucine 155 with proline.
Molecular consequence: missense variant. On other transcripts: non-coding transcript variant (1).
Genome position (GRCh38, 1-based): chr4:107,932,107, T>C. VCF-style: chr4-107932107-T-C. GRCh37 (hg19) VCF-style: chr4-108853263-T-C.
Other names: short protein forms L155P.
Identifiers: ClinVar variation 1922581 (VCV001922581.5), dbSNP rs1733016172, ClinGen allele CA357833370.